The following is an entry in ClinVar:

ClinVar aggregate classification (germline): Conflicting classifications of pathogenicity. Review status: criteria provided, conflicting classifications (1 of 4 stars). 11 submissions from 11 submitters: Pathogenic (2); Likely pathogenic (8); Uncertain significance (1). Last evaluated 2026-05-27.

Conditions:
Autosomal recessive limb-girdle muscular dystrophy. Identifiers: Orphanet 102015, MedGen C2931907, MONDO:0015152.
Autosomal recessive limb-girdle muscular dystrophy type 2D (LGMDR3). Also called: MUSCULAR DYSTROPHY, LIMB-GIRDLE, AUTOSOMAL RECESSIVE 3; DUCHENNE-LIKE AUTOSOMAL RECESSIVE MUSCULAR DYSTROPHY, TYPE 2; ADHALINOPATHY, PRIMARY. Identifiers: Orphanet 62, MedGen C2936332, MONDO:0011968, OMIM 608099. Disease mechanism: Affects gamma-sarcoglycan and also disrupts the integrity of the entire sarcoglycan complex..

gnomAD v4.1: 9 of 1,586,682 alleles (0.00057%); highest among the groups gnomAD compares: East Asian, 0.0091%; no homozygotes.

Submissions (11):

Women's Health and Genetics/Laboratory Corporation of America, LabCorp
Classification: Likely pathogenic for Autosomal recessive limb-girdle muscular dystrophy. Last evaluated: 2026-05-27. Review status: criteria provided, single submitter. Criteria: LabCorp Variant Classification Summary - May 2015. Collection method: clinical testing. Allele origin: germline.
Comment: Variant summary: SGCA c.409G>C (p.Glu137Gln) results in a conservative amino acid change in the encoded protein sequence. Algorithms developed to predict the effect of missense changes on protein structure and function are either unavailable or do not agree on the potential impact of this missense change. The variant was absent in 206116 control chromosomes. c.409G>C has been reported as a biallelic compound heterozygous genotype in the literature in at-least two individuals affected with features of Limb-Girdle Muscular Dystrophy, Autosomal Recessive (example: Yu_2017 and Ding_2019). These data indicate that the variant may be associated with disease. To our knowledge, no experimental evidence demonstrating an impact on protein function has been reported. Another variant (c.409G>A, p.Glu137Lys) has been classified as likely pathogenic/pathogenic, supporting the functional and clinical importance of this residue of the protein. The following publications have been ascertained in the context of this evaluation (PMID: 30703231, 31847883, 30764848, 28403181). ClinVar contains an entry for this variant (Variation ID: 554420). Based on the evidence outlined above, the variant was classified as likely pathogenic.

Labcorp Genetics (formerly Invitae), Labcorp
Classification: Pathogenic for Autosomal recessive limb-girdle muscular dystrophy type 2D. Last evaluated: 2025-12-26. Review status: criteria provided, single submitter. Criteria: Invitae Variant Classification Sherloc (09022015). Collection method: clinical testing. Allele origin: germline.
Comment: This sequence change replaces glutamic acid, which is acidic and polar, with glutamine, which is neutral and polar, at codon 137 of the SGCA protein (p.Glu137Gln). This variant is not present in population databases (gnomAD no frequency). This missense change has been observed in individual(s) with SGCA-related conditions (PMID: 28403181, 30703231). In at least one individual the data is consistent with being in trans (on the opposite chromosome) from a pathogenic variant. ClinVar contains an entry for this variant (Variation ID: 554420). Invitae Evidence Modeling of protein sequence and biophysical properties (such as structural, functional, and spatial information, amino acid conservation, physicochemical variation, residue mobility, and thermodynamic stability) indicates that this missense variant is expected to disrupt SGCA protein function with a positive predictive value of 95%. This variant disrupts the p.Glu137 amino acid residue in SGCA. Other variant(s) that disrupt this residue have been determined to be pathogenic (PMID: 9192266, 12075495, 19798725, 22095924, 25214167, 26916285). This suggests that this residue is clinically significant, and that variants that disrupt this residue are likely to be disease-causing. For these reasons, this variant has been classified as Pathogenic.

3billion
Classification: Pathogenic for Autosomal recessive limb-girdle muscular dystrophy type 2D. Last evaluated: 2025-10-01. Review status: criteria provided, single submitter. Criteria: ACMG Guidelines, 2015. Collection method: clinical testing. Allele origin: germline. Affected: yes.
Comment: The variant is observed at an extremely low frequency in the gnomAD v4.1.0 dataset (total allele frequency: <0.001%). Predicted Consequence/Location: Missense variant In silico tool predictions suggest damaging effect of the variant on gene or gene product [REVEL: 0.77 (>=0.6, sensitivity 0.68 and specificity 0.92); 3Cnet: 0.97 (> 0.75, sensitivity 0.96 and precision 0.92)]. The same nucleotide change resulting in the same amino acid change has been previously reported as pathogenic/likely pathogenic with strong evidence (ClinVar ID: VCV000554420 /PMID: 28403181 /3billion dataset). Different missense changes at the same codon (p.Glu137Gly, p.Glu137Lys) have been reported as pathogenic/likely pathogenic with strong evidence (ClinVar ID: VCV000009438, VCV000286049 /PMID: 9192266 /3billion dataset). Therefore, this variant is classified as Pathogenic according to the recommendation of ACMG/AMP guideline.

GeneDx
Classification: Likely pathogenic. Last evaluated: 2025-06-27. Review status: criteria provided, single submitter. Criteria: GeneDx Variant Classification Process June 2021. Collection method: clinical testing. Allele origin: germline. Affected: yes.
Comment: Not observed at significant frequency in large population cohorts (gnomAD); In silico analysis suggests that this missense variant does not alter protein structure/function; This variant is associated with the following publications: (PMID: 30703231, 30764848, 31847883, 28403181)

Natera, Inc.
Classification: Likely pathogenic for Limb-girdle muscular dystrophy type 2D. Last evaluated: 2024-12-27. Review status: criteria provided, single submitter. Criteria: Natera Variant Classification Schema (03/2026). Collection method: clinical testing. Allele origin: germline.
Comment: The c.409G>C variant in SGCA is a missense variant predicted to cause substitution of glutamic acid to glutamine at amino acid 137. This variant is rare in the general population with a frequency below the threshold expected for the associated phenotype(s). This variant has been observed in one or more individuals affected with the associated recessive disease, as either homozygous or compound heterozygous with a second variant (PMID: 30703231, 30764848). A different variant at the same position has been determined to be Pathogenic or Likely Pathogenic. Computational prediction algorithms indicate this variant is likely to affect gene or protein function. Given the available evidence, this variant is classified as Likely Pathogenic.

Fulgent Genetics
Classification: Likely pathogenic for Autosomal recessive limb-girdle muscular dystrophy type 2D. Last evaluated: 2024-06-20. Review status: criteria provided, single submitter. Criteria: ACMG Guidelines, 2015. Collection method: clinical testing. Allele origin: germline.

Mayo Clinic Laboratories, Mayo Clinic
Classification: Likely pathogenic. Last evaluated: 2023-05-11. Review status: criteria provided, single submitter. Criteria: ACMG Guidelines, 2015. Collection method: clinical testing. Allele origin: germline. Observed: 1 variant allele.
Comment: PP3, PM2, PM3, PM5

Department of Pathology and Laboratory Medicine, Sinai Health System
Classification: Likely pathogenic for Autosomal recessive limb-girdle muscular dystrophy type 2D. Last evaluated: 2023-01-19. Review status: criteria provided, single submitter. Criteria: ACMG Guidelines, 2015. Collection method: research. Allele origin: germline.

Myriad Genetics, Inc.
Classification: Uncertain significance for Autosomal recessive limb-girdle muscular dystrophy type 2D. Last evaluated: 2021-10-01. Review status: criteria provided, single submitter. Criteria: Myriad Women's Health Autosomal Recessive and X-Linked Classification Criteria (2021). Collection method: clinical testing. Allele origin: unknown.
Comment: NM_000023.2(SGCA):c.409G>C(E137Q) is a missense variant classified as a variant of uncertain significance in the context of alpha-sarcoglycanopathy. E137Q has been observed in cases with relevant disease (PMID: 28403181, 30703231). Functional assessments of this variant are not available in the literature. E137Q has not been observed in population frequency databases. In summary, there is insufficient evidence to classify NM_000023.2(SGCA):c.409G>C(E137Q) as pathogenic or benign. Please note: this variant was assessed in the context of healthy population screening.

Revvity Omics, Revvity
Classification: Likely pathogenic for Autosomal recessive limb-girdle muscular dystrophy type 2D. Last evaluated: 2021-09-24. Review status: criteria provided, single submitter. Criteria: ACMG Guidelines, 2015. Collection method: clinical testing. Allele origin: germline.

Juno Genomics, Hangzhou Juno Genomics, Inc
Classification: Likely pathogenic for Autosomal recessive limb-girdle muscular dystrophy type 2D. Review status: criteria provided, single submitter. Criteria: ACMG Guidelines, 2015. Collection method: clinical testing. Allele origin: germline.
Comment: Absent from controls (or at extremely low frequency if recessive) in Genome Aggregation Database.;Multiple lines of computational evidence support a deleterious effect on the gene or gene product.;Novel missense change at an amino acid residue where a different missense change determined to be pathogenic has been seen before.;For recessive disorders, detected in trans with a pathogenic variant.

Literature cited by the submitters: PubMed 31847883 (cited by Women's Health and Genetics/Laboratory Corporation of America, LabCorp and Mayo Clinic Laboratories, Mayo Clinic); PubMed 28403181 (cited by 5 submitters); PubMed 30764848 (cited by 3 submitters); PubMed 30703231 (cited by 5 submitters); PubMed 9192266 (cited by Labcorp Genetics (formerly Invitae), Labcorp and 3billion); PubMed 12075495 (cited by Labcorp Genetics (formerly Invitae), Labcorp); PubMed 19798725 (cited by Labcorp Genetics (formerly Invitae), Labcorp); PubMed 22095924 (cited by Labcorp Genetics (formerly Invitae), Labcorp); PubMed 25214167 (cited by Labcorp Genetics (formerly Invitae), Labcorp); PubMed 26916285 (cited by Labcorp Genetics (formerly Invitae), Labcorp).

NM_000023.4(SGCA):c.409G>C (p.Glu137Gln)

Gene: SGCA (sarcoglycan alpha; plus strand). Cytogenetic location: 17q21.33.
Variant type: single nucleotide variant.
Coding change: c.409G>C on transcript NM_000023.4 (MANE Select); coding-DNA position 409, G replaced by C.
Protein change: p.Glu137Gln; replaces glutamic acid 137 with glutamine.
Molecular consequence: missense variant. On other transcripts: non-coding transcript variant (1).
Genome position (GRCh38, 1-based): chr17:50,168,397, G>C. VCF-style: chr17-50168397-G-C. GRCh37 (hg19) VCF-style: chr17-48245758-G-C.
Other names: p.Glu137Gln; c.409G>C (NM_000023.3); c.409G>C, p.Glu137Gln (NM_001135697.3); short protein forms E137Q.
Identifiers: ClinVar variation 554420 (VCV000554420.31), dbSNP rs372210292, ClinGen allele CA400179814.